The following is an entry in ClinVar:

ClinVar aggregate classification (germline): Benign/Likely benign. Review status: criteria provided, multiple submitters, no conflicts (2 of 4 stars). 6 submissions from 6 submitters: Benign (2); Likely benign (3). 1 of the submissions does not count toward it. Last evaluated 2026-01-16.

Conditions:
Epidermolysis bullosa simplex 5C, with pyloric atresia (EBS5C). Also called: PLEC1-Related Epidermolysis Bullosa with Pyloric Atresia; PLEC-Related Epidermolysis Bullosa with Pyloric Atresia; Epidermolysis bullosa simplex with pyloric atresia. Identifiers: Orphanet 158684, MedGen C2677349, MONDO:0012807, OMIM 612138.
Epidermolysis bullosa simplex 5B, with muscular dystrophy (EBS5B). Also called: Epidermolysis bullosa simplex with muscular dystrophy; EPIDERMOLYSIS BULLOSA SIMPLEX AND LIMB-GIRDLE MUSCULAR DYSTROPHY. Identifiers: Orphanet 257, MedGen C2931072, MONDO:0009181, OMIM 226670.
Epidermolysis bullosa simplex, Ogna type (EBS5A). Also called: Pidermolysis bullosa simplex 5A, Ogna type; EPIDERMOLYSIS BULLOSA SIMPLEX 5A, OGNA TYPE. Identifiers: Orphanet 79401, MedGen C0432317, MONDO:0007555, OMIM 131950.
Autosomal recessive limb-girdle muscular dystrophy type 2Q (LGMDR17). Also called: MUSCULAR DYSTROPHY, LIMB-GIRDLE, AUTOSOMAL RECESSIVE 17. Identifiers: Orphanet 254361, MedGen C3150989, MONDO:0013390, OMIM 613723.
Epidermolysis bullosa simplex with nail dystrophy (EBS5D). Identifiers: MedGen C4225309, MONDO:0014661, OMIM 616487.

Allele frequency attached by ClinVar (database versions not stated): gnomAD exomes 0.00062 and 0.00155; ExAC 0.00197; gnomAD 0.00641 and 0.00668; ESP Exome Variant Server 0.00642; TOPMed 0.00748; 1000 Genomes Project 0.00859; 1000 Genomes Project 30x 0.00953.
gnomAD v4.1: 1,962 of 1,613,214 alleles (0.12%); highest among the groups gnomAD compares: African/African-American, 2.2%; 19 homozygotes.

Submissions (6):

Labcorp Genetics (formerly Invitae), Labcorp
Classification: Benign for Autosomal recessive limb-girdle muscular dystrophy type 2Q; Epidermolysis bullosa simplex, Ogna type; Epidermolysis bullosa simplex with nail dystrophy; Epidermolysis bullosa simplex 5C, with pyloric atresia; Epidermolysis bullosa simplex 5B, with muscular dystrophy. Last evaluated: 2026-01-16. Review status: criteria provided, single submitter. Criteria: Invitae Variant Classification Sherloc (09022015). Collection method: clinical testing. Allele origin: germline.

Blueprint Genetics
Classification: Likely benign. Last evaluated: 2024-11-26. Review status: criteria provided, single submitter. Criteria: ACMG Guidelines, 2015. Collection method: clinical testing. Allele origin: germline.

Mayo Clinic Laboratories, Mayo Clinic
Classification: Benign. Last evaluated: 2023-11-02. Review status: criteria provided, single submitter. Criteria: ACMG Guidelines, 2015. Collection method: clinical testing. Allele origin: germline. Observed: 16 variant alleles.
Comment: BA1, BP4, BP7

GeneDx
Classification: Likely benign. Last evaluated: 2021-03-05. Review status: criteria provided, single submitter. Criteria: GeneDx Variant Classification Process June 2021. Collection method: clinical testing. Allele origin: germline. Affected: yes.

Breakthrough Genomics
Classification: Likely benign. Review status: criteria provided, single submitter. Criteria: ACMG Guidelines, 2015. Collection method: not provided. Allele origin: germline. Inheritance: Autosomal recessive inheritance. Affected: yes.

Genetic Services Laboratory, University of Chicago
Classification: Likely benign for AllHighlyPenetrant. Review status: no assertion criteria provided. Collection method: clinical testing. Allele origin: germline. Inheritance: Autosomal recessive inheritance. Not counted in ClinVar's aggregate classification.
Comment: Likely benign based on allele frequency in 1000 Genomes Project or ESP global frequency and its presence in a patient with a rare or unrelated disease phenotype. NOT Sanger confirmed.

NM_201384.3(PLEC):c.7260G>A (p.Thr2420=)

Gene: PLEC (plectin; minus strand). Cytogenetic location: 8q24.3.
Variant type: single nucleotide variant.
Coding change: c.7260G>A on transcript NM_201384.3 (MANE Select); coding-DNA position 7260, G replaced by A.
Protein change: p.Thr2420=; no amino-acid change (threonine 2420 retained).
Molecular consequence: synonymous variant.
Genome position (GRCh38, 1-based): chr8:143,922,669, C>T on the plus strand (G>A on the coding strand, the complement: PLEC is on the minus strand). VCF-style: chr8-143922669-C-T. GRCh37 (hg19) VCF-style: chr8-144996837-C-T.
Other names: p.Thr2406=; c.7341G>A, p.Thr2447= (NM_000445.5); c.7218G>A, p.Thr2406= (NM_201378.4); c.7194G>A, p.Thr2398= (NM_201379.3); c.7671G>A, p.Thr2557= (NM_201380.4); c.7164G>A, p.Thr2388= (NM_201381.3); c.7260G>A, p.Thr2420= (NM_201382.4); c.7272G>A, p.Thr2424= (NM_201383.3).
Identifiers: ClinVar variation 129953 (VCV000129953.19), dbSNP rs34490562, ClinGen allele CA154591.